The following is an entry in ClinVar:

ClinVar aggregate classification (germline): Uncertain significance (1 of 4 stars; one submission).

Conditions:
Neurofibromatosis, type 1 (NF1). Also called: VON RECKLINGHAUSEN DISEASE; Peripheral type neurofibromatosis; Neurofibromatosis, type I; NEUROFIBROMATOSIS, TYPE I, SOMATIC. Identifiers: Orphanet 636, MedGen C0027831, MONDO:0018975, OMIM 162200. Disease mechanism: loss of function.

Submission:

Labcorp Genetics (formerly Invitae), Labcorp
Classification: Uncertain significance for Neurofibromatosis, type 1. Last evaluated: 2024-08-13. Review status: criteria provided, single submitter. Criteria: Invitae Variant Classification Sherloc (09022015). Collection method: clinical testing. Allele origin: germline.
Comment: This variant, c.4017_4019del, results in the deletion of 1 amino acid(s) of the NF1 protein (p.Leu1340del), but otherwise preserves the integrity of the reading frame. This variant is not present in population databases (gnomAD no frequency). This variant has been observed in individual(s) with NF1-related conditions (Invitae). ClinVar contains an entry for this variant (Variation ID: 216864). Experimental studies and prediction algorithms are not available or were not evaluated, and the functional significance of this variant is currently unknown. In summary, the available evidence is currently insufficient to determine the role of this variant in disease. Therefore, it has been classified as a Variant of Uncertain Significance.

NM_001042492.3(NF1):c.4014CCT[1] (p.Leu1340del)

Gene: NF1 (neurofibromin 1; plus strand). Cytogenetic location: 17q11.2.
Variant type: Microsatellite.
Coding change: c.4014CCT[1] on transcript NM_001042492.3 (MANE Select); one copy of the 3-base unit CCT starting at c.4014; the reference has two copies in a row; one copy, 3 bases deleted.
Protein change: p.Leu1340del; deletes leucine 1340.
Molecular consequence: inframe deletion. On other transcripts: inframe indel (1).
Genome position (GRCh38, 1-based): chr17:31,249,026-31,249,028, CCT deleted; deleting any 3 consecutive bases within chr17:31,249,023-31,249,028 gives the same sequence; the position shown is the placement nearest the transcript's 3' end. VCF-style (leftmost placement, unchanged base first): chr17-31249022-ACCT-A. GRCh37 (hg19) VCF-style: chr17-29576040-ACCT-A.
Other names: c.4017_4019delCCT (NM_000267.3); c.4014_4016CCT[1], p.Leu1340del (NM_000267.4); short protein forms L1340del.
Identifiers: ClinVar variation 216864 (VCV000216864.3), dbSNP rs863224834, ClinGen allele CA337692.